The following is an entry in ClinVar:

NM_006361.6(HOXB13):c.697C>G (p.Arg233Gly)

Gene: HOXB13 (homeobox B13; minus strand). Cytogenetic location: 17q21.32.
Variant type: single nucleotide variant.
Coding change: c.697C>G on transcript NM_006361.6 (MANE Select); coding-DNA position 697, C replaced by G.
Protein change: p.Arg233Gly; replaces arginine 233 with glycine.
Molecular consequence: missense variant.
Genome position (GRCh38, 1-based): chr17:48,726,948, G>C on the plus strand (C>G on the coding strand, the complement: HOXB13 is on the minus strand). VCF-style: chr17-48726948-G-C. GRCh37 (hg19) VCF-style: chr17-46804310-G-C.
Other names: short protein forms R233G.
Identifiers: ClinVar variation 826743 (VCV000826743.11), dbSNP rs778481913, ClinGen allele CA400106552.

ClinVar aggregate classification (germline): Uncertain significance. Review status: criteria provided, multiple submitters, no conflicts (2 of 4 stars). 2 submissions from 2 submitters: Uncertain significance (2). Last evaluated 2025-02-12.

Conditions:
Hereditary cancer-predisposing syndrome. Also called: Neoplastic Syndromes, Hereditary; Tumor predisposition; Hereditary neoplastic syndrome; Hereditary Cancer Syndrome. Identifiers: Orphanet 140162, MedGen C0027672, MeSH D009386, MONDO:0015356.

Submissions (2):

Labcorp Genetics (formerly Invitae), Labcorp
Classification: Uncertain significance. Last evaluated: 2025-02-12. Review status: criteria provided, single submitter. Criteria: Invitae Variant Classification Sherloc (09022015). Collection method: clinical testing. Allele origin: germline.
Comment: This sequence change replaces arginine, which is basic and polar, with glycine, which is neutral and non-polar, at codon 233 of the HOXB13 protein (p.Arg233Gly). This variant is not present in population databases (gnomAD no frequency). This variant has not been reported in the literature in individuals affected with HOXB13-related conditions. ClinVar contains an entry for this variant (Variation ID: 826743). Invitae Evidence Modeling of protein sequence and biophysical properties (such as structural, functional, and spatial information, amino acid conservation, physicochemical variation, residue mobility, and thermodynamic stability) indicates that this missense variant is not expected to disrupt HOXB13 protein function with a negative predictive value of 80%. In summary, the available evidence is currently insufficient to determine the role of this variant in disease. Therefore, it has been classified as a Variant of Uncertain Significance.

Ambry Genetics
Classification: Uncertain significance for Hereditary cancer-predisposing syndrome. Last evaluated: 2024-09-16. Review status: criteria provided, single submitter. Criteria: Ambry Variant Classification Scheme 2023. Collection method: clinical testing. Allele origin: germline.
Comment: The p.R233G variant (also known as c.697C>G), located in coding exon 2 of the HOXB13 gene, results from a C to G substitution at nucleotide position 697. The arginine at codon 233 is replaced by glycine, an amino acid with dissimilar properties. This amino acid position is highly conserved through mammals but not in all available vertebrate species. In addition, the in silico prediction for this alteration is inconclusive. Since supporting evidence is limited at this time, the clinical significance of this alteration remains unclear.